The following is an entry in ClinVar:

NM_002878.4(RAD51D):c.576+19C>T

Genes: RAD51L3-RFFL (RAD51L3-RFFL readthrough; minus strand), RAD51D (RAD51 paralog D; minus strand). Cytogenetic location: 17q12.
Variant type: single nucleotide variant.
Coding change: c.576+19C>T on transcript NM_002878.4 (MANE Select); 19 bases into the intron after coding-DNA position 576, C replaced by T.
Molecular consequence: intron variant.
Genome position (GRCh38, 1-based): chr17:35,106,367, G>A on the plus strand (C>T on the coding strand, the complement: RAD51D is on the minus strand). VCF-style: chr17-35106367-G-A. GRCh37 (hg19) VCF-style: chr17-33433386-G-A.
Other names: c.240+19C>T (NM_133629.3); c.636+19C>T (NM_001142571.2).
Identifiers: ClinVar variation 388072 (VCV000388072.11), dbSNP rs749835057, ClinGen allele CA16607567.

ClinVar aggregate classification (germline): Likely benign. Review status: criteria provided, multiple submitters, no conflicts (2 of 4 stars). 4 submissions from 4 submitters: Likely benign (4). Last evaluated 2026-01-19.

Conditions:
Hereditary cancer-predisposing syndrome. Also called: Hereditary Cancer Syndrome; Hereditary neoplastic syndrome; Neoplastic Syndromes, Hereditary; Tumor predisposition. Identifiers: Orphanet 140162, MedGen C0027672, MeSH D009386, MONDO:0015356.
Breast-ovarian cancer, familial, susceptibility to, 4. Identifiers: Orphanet 145, MedGen C3280345, MONDO:0013669, OMIM 614291.

Allele frequency attached by ClinVar (database versions not stated): gnomAD exomes below 0.00001 and 0.00003; TOPMed below 0.00001; gnomAD 0.00001.
gnomAD v4.1: 48 of 1,605,766 alleles (0.003%); highest among the groups gnomAD compares: Non-Finnish European, 0.0037%; no homozygotes.

Submissions (4):

Labcorp Genetics (formerly Invitae), Labcorp
Classification: Likely benign for Breast-ovarian cancer, familial, susceptibility to, 4. Last evaluated: 2026-01-19. Review status: criteria provided, single submitter. Criteria: Invitae Variant Classification Sherloc (09022015). Collection method: clinical testing. Allele origin: germline.

PreventionGenetics, part of Exact Sciences
Classification: Likely benign. Last evaluated: 2018-01-04. Review status: criteria provided, single submitter. Criteria: ACMG Guidelines, 2015. Collection method: clinical testing. Allele origin: germline.

Color Diagnostics, LLC DBA Color Health
Classification: Likely benign for Hereditary cancer-predisposing syndrome. Last evaluated: 2017-05-12. Review status: criteria provided, single submitter. Criteria: ACMG Guidelines, 2015. Collection method: clinical testing. Allele origin: germline.

GeneDx
Classification: Likely benign. Last evaluated: 2016-07-22. Review status: criteria provided, single submitter. Criteria: GeneDx Variant Classification (06012015). Collection method: clinical testing. Allele origin: germline. Affected: yes.
Comment: This variant is considered likely benign or benign based on one or more of the following criteria: it is a conservative change, it occurs at a poorly conserved position in the protein, it is predicted to be benign by multiple in silico algorithms, and/or has population frequency not consistent with disease.